The following is an entry in ClinVar:

ClinVar aggregate classification (germline): Uncertain significance (1 of 4 stars; one submission).

gnomAD v4.1: 1 of 1,611,682 alleles (0.000062%); highest among the groups gnomAD compares: Non-Finnish European, 0.000085%; no homozygotes.

Submission:

Dasa
Classification: Uncertain significance. Last evaluated: 2025-11-10. Review status: criteria provided, single submitter. Criteria: DASA Assertion Criteria. Collection method: clinical testing. Allele origin: germline.
Comment: NM_001829.4(CLCN3):c.358A>G (p.Lys120Glu) is a missense variant that results in the substitution of lysine with glutamic acid. This variant is rare in population databases. Computational prediction algorithms are consistent with a deleterious effect. The currently available literature and clinical evidence are not sufficient to establish a definitive association between this variant and the reported condition. Therefore, this variant is classified as a variant of uncertain significance.

NM_001829.4(CLCN3):c.358A>G (p.Lys120Glu)

Gene: CLCN3 (Cl-/H+ antiporter 3; plus strand). Cytogenetic location: 4q33.
Variant type: single nucleotide variant.
Coding change: c.358A>G on transcript NM_001829.4 (MANE Select); coding-DNA position 358, A replaced by G.
Protein change: p.Lys120Glu; replaces lysine 120 with glutamic acid.
Molecular consequence: missense variant.
Genome position (GRCh38, 1-based): chr4:169,687,697, A>G. VCF-style: chr4-169687697-A-G. GRCh37 (hg19) VCF-style: chr4-170608848-A-G.
Other names: c.358A>G, p.Lys120Glu (NM_001243372.2, NM_173872.4); c.277A>G, p.Lys93Glu (NM_001243374.2); short protein forms K120E, K93E.
Identifiers: ClinVar variation 4886654 (VCV004886654.2).